The following is an entry in ClinVar:

NM_206933.2:c.8932_8933insAlu

Gene: USH2A (usherin; minus strand). Cytogenetic location: 1q41.
Variant type: Insertion.
Identifiers: ClinVar variation 801009 (VCV000801009.1).

ClinVar aggregate classification (germline): Pathogenic (1 of 4 stars; one submission).

Submission:

GeneDx
Classification: Pathogenic. Last evaluated: 2019-03-13. Review status: criteria provided, single submitter. Criteria: GeneDx Variant Classification (06012015). Collection method: clinical testing. Allele origin: germline. Affected: yes.
Comment: The c.8932_8933insAlu variant in the USH2A gene has not been reported previously as a pathogenic variant nor as a benign variant, to our knowledge. Mobile insertion elements, including retrotransposon-mediated events such as Alu inserts, are estimated to account for 1 in 600 disease causing variants (Kazazian, 1999). Therefore, we interpret c.8932_8933insAlu as a pathogenic variant.